The following is an entry in ClinVar:

ClinVar aggregate classification (germline): Uncertain significance. Review status: criteria provided, multiple submitters, no conflicts (2 of 4 stars). 5 submissions from 5 submitters: Uncertain significance (5). Last evaluated 2026-01-19.

Conditions:
Inborn genetic diseases. Identifiers: MedGen C0950123, MeSH D030342.
Disorders of Intracellular Cobalamin Metabolism. Identifiers: MedGen CN043592.
Cobalamin C disease. Also called: Methylmalonic aciduria with homocystinuria cblC type; methylmalonic aciduria and homocystinuria type cblC; Methylmalonic aciduria and homocystinuria, Vitamin B12-responsive; Vitamin B12 metabolic defect with combined deficiency of methylmalonyl-CoA mutase and homocysteine:methyltetrahydrofolate methyltransferase; Cobalamin-C methylmalonic acidemia and homocystinuria; Methylmalonic acidemia and homocystinuria cblC type. Identifiers: Orphanet 26, Orphanet 79282, MedGen C1848561, MONDO:0010184, OMIM 277400.

Allele frequency attached by ClinVar (database versions not stated): gnomAD 0.00001 and 0.00007; gnomAD exomes 0.00005 and 0.00011; ExAC 0.00006; TOPMed 0.00006; 1000 Genomes Project 30x 0.00031; 1000 Genomes Project 0.00040.

Submissions (5):

Labcorp Genetics (formerly Invitae), Labcorp
Classification: Uncertain significance for Cobalamin C disease. Last evaluated: 2026-01-19. Review status: criteria provided, single submitter. Criteria: Invitae Variant Classification Sherloc (09022015). Collection method: clinical testing. Allele origin: germline.
Comment: This sequence change replaces arginine, which is basic and polar, with cysteine, which is neutral and slightly polar, at codon 112 of the MMACHC protein (p.Arg112Cys). This variant is present in population databases (rs187869948, gnomAD 0.02%). This variant has not been reported in the literature in individuals affected with MMACHC-related conditions. ClinVar contains an entry for this variant (Variation ID: 297483). Invitae Evidence Modeling of protein sequence and biophysical properties (such as structural, functional, and spatial information, amino acid conservation, physicochemical variation, residue mobility, and thermodynamic stability) has been performed for this missense variant. However, the output from this modeling did not meet the statistical confidence thresholds required to predict the impact of this variant on MMACHC protein function. In summary, the available evidence is currently insufficient to determine the role of this variant in disease. Therefore, it has been classified as a Variant of Uncertain Significance.

Ambry Genetics
Classification: Uncertain significance for Inborn genetic diseases. Last evaluated: 2025-08-01. Review status: criteria provided, single submitter. Criteria: Ambry Variant Classification Scheme 2023. Collection method: clinical testing. Allele origin: germline.

GeneDx
Classification: Uncertain significance. Last evaluated: 2025-04-24. Review status: criteria provided, single submitter. Criteria: GeneDx Variant Classification Process June 2021. Collection method: clinical testing. Allele origin: germline. Affected: yes.
Comment: In silico analysis supports that this missense variant has a deleterious effect on protein structure/function; Has not been previously published as pathogenic or benign to our knowledge

Genome-Nilou Lab
Classification: Uncertain significance for Cobalamin C disease. Last evaluated: 2023-04-11. Review status: criteria provided, single submitter. Criteria: ACMG Guidelines, 2015. Collection method: clinical testing. Allele origin: germline. Affected: no.

Illumina Laboratory Services, Illumina
Classification: Uncertain significance for Disorders of Intracellular Cobalamin Metabolism. Last evaluated: 2018-01-12. Review status: criteria provided, single submitter. Criteria: ICSL Variant Classification Criteria 13 December 2019. Collection method: clinical testing. Allele origin: germline.

NM_015506.3(MMACHC):c.334C>T (p.Arg112Cys)

Gene: MMACHC (metabolism of cobalamin associated C; plus strand). Cytogenetic location: 1p34.1.
Variant type: single nucleotide variant.
Coding change: c.334C>T on transcript NM_015506.3 (MANE Select); coding-DNA position 334, C replaced by T.
Protein change: p.Arg112Cys; replaces arginine 112 with cysteine.
Molecular consequence: missense variant.
Genome position (GRCh38, 1-based): chr1:45,508,269, C>T. VCF-style: chr1-45508269-C-T. GRCh37 (hg19) VCF-style: chr1-45973941-C-T.
Other names: c.163C>T, p.Arg55Cys (NM_001330540.2); short protein forms R112C, R55C.
Identifiers: ClinVar variation 297483 (VCV000297483.9), dbSNP rs187869948, ClinGen allele CA827706.